The following is an entry in ClinVar:

NM_001540.5(HSPB1):c.190G>C (p.Glu64Gln)

Gene: HSPB1 (heat shock protein family B (small) member 1; plus strand). Cytogenetic location: 7q11.23.
Variant type: single nucleotide variant.
Coding change: c.190G>C on transcript NM_001540.5 (MANE Select); coding-DNA position 190, G replaced by C.
Protein change: p.Glu64Gln; replaces glutamic acid 64 with glutamine.
Molecular consequence: missense variant.
Genome position (GRCh38, 1-based): chr7:76,302,902, G>C. VCF-style: chr7-76302902-G-C. GRCh37 (hg19) VCF-style: chr7-75932219-G-C.
Other names: short protein forms E64Q.
Identifiers: ClinVar variation 4772020 (VCV004772020.1).
Genomic context (GRCh38, chr7:76,302,902, plus strand): 5'-CAGTGGTTAGGCGGCAGCAGCTGGCCAGGCTACGTGCGCCCCCTGCCCCCCGCCGCCATC[G>C]AGAGCCCCGCAGTGGCCGCGCCCGCCTACAGCCGCGCGCTCAGCCGGCAACTCAGCAGCG-3'
Protein context (NP_001531.1, residues 54-74): YVRPLPPAAI[Glu64Gln]SPAVAAPAYS

ClinVar aggregate classification (germline): Uncertain significance (1 of 4 stars; one submission).

Conditions:
Charcot-Marie-Tooth disease axonal type 2F (CMT2F). Also called: Charcot-Marie-Tooth Neuropathy Type 2F; CHARCOT-MARIE-TOOTH DISEASE, NEURONAL, TYPE 2F. Identifiers: Orphanet 99940, MedGen C1847823, MONDO:0011687, OMIM 606595.

Submission:

Labcorp Genetics (formerly Invitae), Labcorp
Classification: Uncertain significance for Charcot-Marie-Tooth disease axonal type 2F. Last evaluated: 2025-08-17. Review status: criteria provided, single submitter. Criteria: Invitae Variant Classification Sherloc (09022015). Collection method: clinical testing. Allele origin: germline.
Comment: This sequence change replaces glutamic acid, which is acidic and polar, with glutamine, which is neutral and polar, at codon 64 of the HSPB1 protein (p.Glu64Gln). This variant is not present in population databases (gnomAD no frequency). This variant has not been reported in the literature in individuals affected with HSPB1-related conditions. Invitae Evidence Modeling of protein sequence and biophysical properties (such as structural, functional, and spatial information, amino acid conservation, physicochemical variation, residue mobility, and thermodynamic stability) indicates that this missense variant is not expected to disrupt HSPB1 protein function with a negative predictive value of 95%. In summary, the available evidence is currently insufficient to determine the role of this variant in disease. Therefore, it has been classified as a Variant of Uncertain Significance.